The following is an entry in ClinVar:

NM_001407.3(CELSR3):c.6959T>C (p.Val2320Ala)

Gene: CELSR3 (cadherin EGF LAG seven-pass G-type receptor 3; minus strand). Cytogenetic location: 3p21.31.
Variant type: single nucleotide variant.
Coding change: c.6959T>C on transcript NM_001407.3 (MANE Select); coding-DNA position 6959, T replaced by C.
Protein change: p.Val2320Ala; replaces valine 2320 with alanine.
Molecular consequence: missense variant.
Genome position (GRCh38, 1-based): chr3:48,648,280, A>G on the plus strand (T>C on the coding strand, the complement: CELSR3 is on the minus strand). VCF-style: chr3-48648280-A-G. GRCh37 (hg19) VCF-style: chr3-48685713-A-G.
Other names: short protein forms V2320A.
Identifiers: ClinVar variation 2672061 (VCV002672061.1), dbSNP rs1478414043, ClinGen allele CA352730633.
Genomic context (GRCh38, chr3:48,648,280, plus strand): 5'-TCATGGCCCCCCTGCTGTGCCCCGCCCTACCCCACCCACAACGCACTGATATTAGGCGTC[A>G]CCAGCCCCATGGGATTCAGGTATGTGAGTTCCATATTCCTTGCGAGTGTGGCTGCATACT-3'
Protein context (NP_001398.2, residues 2310-2330): ELTYLNPMGL[Val2320Ala]TPNIMLSIDR

ClinVar aggregate classification (germline): Likely pathogenic (0 of 4 stars; one submission).

Allele frequency attached by ClinVar (database versions not stated): gnomAD exomes below 0.00001.
gnomAD v4.1: 1 of 1,479,934 alleles (0.000068%); highest among the groups gnomAD compares: Admixed American, 0.0018%; no homozygotes.

Submission:

Institute of Anatomy and Cell Biology, Medical Faculty, University Of Bonn
Classification: Likely pathogenic. Last evaluated: 2023-08-16. Review status: no assertion criteria provided. Collection method: clinical testing. Allele origin: unknown. Affected: yes.
Comment: This variant was observed in homozygosity